The following is an entry in ClinVar:

NM_152384.3(BBS5):c.258+2T>C

Gene: BBS5 (Bardet-Biedl syndrome 5; plus strand). Cytogenetic location: 2q31.1.
Variant type: single nucleotide variant.
Coding change: c.258+2T>C on transcript NM_152384.3 (MANE Select); the canonical splice donor site of the intron after coding-DNA position 258, T replaced by C.
Molecular consequence: splice donor variant.
Genome position (GRCh38, 1-based): chr2:169,487,857, T>C. VCF-style: chr2-169487857-T-C. GRCh37 (hg19) VCF-style: chr2-170344367-T-C.
Identifiers: ClinVar variation 560431 (VCV000560431.4), dbSNP rs1559122157, ClinGen allele CA349161690.

ClinVar aggregate classification (germline): Likely pathogenic. Review status: criteria provided, single submitter (1 of 4 stars). 2 submissions from 2 submitters: Likely pathogenic (1). 1 of the submissions does not count toward it. Last evaluated 2024-02-09.

Conditions:
Bardet-Biedl syndrome (BBS). Identifiers: Orphanet 110, MedGen C0752166, MONDO:0015229.
Bardet-Biedl syndrome 5 (BBS5). Identifiers: Orphanet 110, MedGen C3892039, MONDO:0014434, OMIM 615983.

Allele frequency attached by ClinVar (database versions not stated): gnomAD exomes below 0.00001; TOPMed below 0.00001.
gnomAD v4.1: 1 of 1,603,854 alleles (0.000062%); highest among the groups gnomAD compares: Non-Finnish European, 0.000085%; no homozygotes.

Submissions (2):

Labcorp Genetics (formerly Invitae), Labcorp
Classification: Likely pathogenic for Bardet-Biedl syndrome. Last evaluated: 2024-02-09. Review status: criteria provided, single submitter. Criteria: Invitae Variant Classification Sherloc (09022015). Collection method: clinical testing. Allele origin: germline.
Comment: This sequence change affects a donor splice site in intron 4 of the BBS5 gene. It is expected to disrupt RNA splicing. Variants that disrupt the donor or acceptor splice site typically lead to a loss of protein function (PMID: 16199547), and loss-of-function variants in BBS5 are known to be pathogenic (PMID: 15137946, 16877420, 26325687, 27708425, 28041643, 29806606). This variant is not present in population databases (gnomAD no frequency). This variant has not been reported in the literature in individuals affected with BBS5-related conditions. ClinVar contains an entry for this variant (Variation ID: 560431). Algorithms developed to predict the effect of sequence changes on RNA splicing suggest that this variant may disrupt the consensus splice site. In summary, the currently available evidence indicates that the variant is pathogenic, but additional data are needed to prove that conclusively. Therefore, this variant has been classified as Likely Pathogenic.

Joint Genome Diagnostic Labs from Nijmegen and Maastricht, Radboudumc and MUMC+
Classification: Pathogenic for Bardet-Biedl syndrome 5. Last evaluated: 2016-09-01. Review status: no assertion criteria provided. Collection method: clinical testing. Allele origin: unknown. Affected: yes. Observed: 1 variant allele. Not counted in ClinVar's aggregate classification.

Literature cited by the submitters: PubMed 16199547 (cited by Labcorp Genetics (formerly Invitae), Labcorp); PubMed 15137946 (cited by Labcorp Genetics (formerly Invitae), Labcorp); PubMed 16877420 (cited by Labcorp Genetics (formerly Invitae), Labcorp); PubMed 26325687 (cited by Labcorp Genetics (formerly Invitae), Labcorp); PubMed 27708425 (cited by Labcorp Genetics (formerly Invitae), Labcorp); PubMed 28041643 (cited by Labcorp Genetics (formerly Invitae), Labcorp); PubMed 29806606 (cited by Labcorp Genetics (formerly Invitae), Labcorp).